The following is an entry in ClinVar:

ClinVar aggregate classification (germline): Benign. Review status: criteria provided, multiple submitters, no conflicts (2 of 4 stars). 2 submissions from 2 submitters: Benign (2). Last evaluated 2019-12-31.

Conditions:
Long QT syndrome (LQTS). Identifiers: MedGen C0023976, MeSH D008133, MONDO:0002442. Disease mechanism: loss of function. Inheritance: Various modes of inheritance.

Allele frequency attached by ClinVar (database versions not stated): TOPMed 0.19417; gnomAD 0.19502 and 0.19806; 1000 Genomes Project 30x 0.22923; 1000 Genomes Project 0.23083.
gnomAD v4.1: 30,075 of 152,138 alleles (20%); highest among the groups gnomAD compares: East Asian, 29%; 3,101 homozygotes.

Submissions (2):

Labcorp Genetics (formerly Invitae), Labcorp
Classification: Benign for Long QT syndrome. Last evaluated: 2019-12-31. Review status: criteria provided, single submitter. Criteria: Invitae Variant Classification Sherloc (09022015). Collection method: clinical testing. Allele origin: germline.

GeneDx
Classification: Benign. Last evaluated: 2018-06-14. Review status: criteria provided, single submitter. Criteria: GeneDx Variant Classification (06012015). Collection method: clinical testing. Allele origin: germline. Affected: yes.
Comment: This variant is considered likely benign or benign based on one or more of the following criteria: it is a conservative change, it occurs at a poorly conserved position in the protein, it is predicted to be benign by multiple in silico algorithms, and/or has population frequency not consistent with disease.

NM_000719.7(CACNA1C):c.3357-172G>T

Gene: CACNA1C (calcium voltage-gated channel subunit alpha1 C; plus strand). Cytogenetic location: 12p13.33.
Variant type: single nucleotide variant.
Coding change: c.3357-172G>T on transcript NM_000719.7 (MANE Select); 172 bases into the intron before coding-DNA position 3357, G replaced by T.
Molecular consequence: intron variant.
Genome position (GRCh38, 1-based): chr12:2,608,339, G>T. VCF-style: chr12-2608339-G-T. GRCh37 (hg19) VCF-style: chr12-2717505-G-T.
Other names: c.3357-172G>T (NM_001167624.3, NM_001167623.2, NM_001167625.2 and 15 more transcripts); c.3417-172G>T (NM_199460.4, NM_001129827.2, NM_001129832.2); c.3348-172G>T (NM_001129844.2).
Identifiers: ClinVar variation 671979 (VCV000671979.5), dbSNP rs215995, ClinGen allele CA13732625.
Genomic context (GRCh38, chr12:2,608,339, plus strand): 5'-GTAGGAAAGTCAGGAATTATTGTCTCCAATTTACAGATGAAGAATCTGAGTCTCAGAGAG[G>T]TTAAACGCTTTGCCCAAGGTCACACAGCCAGTAAGAGGCCGAGCTGGGACTCCAGCCCAG-3'